The following is an entry in ClinVar:

ClinVar aggregate classification (germline): Benign. Review status: criteria provided, multiple submitters, no conflicts (2 of 4 stars). 2 submissions from 2 submitters: Benign (2). Last evaluated 2018-06-14.

Allele frequency attached by ClinVar (database versions not stated): gnomAD exomes 0.01230; ExAC 0.01424; gnomAD 0.03954 and 0.04240; TOPMed 0.04097; 1000 Genomes Project 0.04173; 1000 Genomes Project 30x 0.04450; ESP Exome Variant Server 0.04717.
gnomAD v4.1: 13,947 of 1,558,062 alleles (0.9%); highest among the groups gnomAD compares: African/African-American, 13%; 680 homozygotes.

Submissions (2):

GeneDx
Classification: Benign. Last evaluated: 2018-06-14. Review status: criteria provided, single submitter. Criteria: GeneDx Variant Classification (06012015). Collection method: clinical testing. Allele origin: germline. Affected: yes.
Comment: This variant is considered likely benign or benign based on one or more of the following criteria: it is a conservative change, it occurs at a poorly conserved position in the protein, it is predicted to be benign by multiple in silico algorithms, and/or has population frequency not consistent with disease.

Breakthrough Genomics
Classification: Benign. Review status: criteria provided, single submitter. Criteria: ACMG Guidelines, 2015. Collection method: not provided. Allele origin: germline. Inheritance: Autosomal recessive inheritance. Affected: yes.

NM_022356.4(P3H1):c.941-52A>C

Gene: P3H1 (prolyl 3-hydroxylase 1; minus strand). Cytogenetic location: 1p34.2.
Variant type: single nucleotide variant.
Coding change: c.941-52A>C on transcript NM_022356.4 (MANE Select); 52 bases into the intron before coding-DNA position 941, A replaced by C.
Molecular consequence: intron variant.
Genome position (GRCh38, 1-based): chr1:42,757,974, T>G on the plus strand (A>C on the coding strand, the complement: P3H1 is on the minus strand). VCF-style: chr1-42757974-T-G. GRCh37 (hg19) VCF-style: chr1-43223645-T-G.
Other names: c.941-52A>C (NM_001146289.2, NM_001243246.2).
Identifiers: ClinVar variation 676005 (VCV000676005.2), dbSNP rs72956932, ClinGen allele CA802020.